The following is an entry in ClinVar:

NM_001844.5(COL2A1):c.619G>T (p.Gly207Ter)

Gene: COL2A1 (collagen type II alpha 1 chain; minus strand). Cytogenetic location: 12q13.11.
Variant type: single nucleotide variant.
Coding change: c.619G>T on transcript NM_001844.5 (MANE Select); coding-DNA position 619, G replaced by T.
Protein change: p.Gly207Ter; replaces glycine 207 with a stop codon.
Molecular consequence: nonsense.
Genome position (GRCh38, 1-based): chr12:47,995,910, C>A on the plus strand (G>T on the coding strand, the complement: COL2A1 is on the minus strand). VCF-style: chr12-47995910-C-A. GRCh37 (hg19) VCF-style: chr12-48389693-C-A.
Other names: c.412G>T, p.Gly138Ter (NM_033150.3); short protein forms G138*, G207*.
Identifiers: ClinVar variation 3899456 (VCV003899456.1).

ClinVar aggregate classification (germline): Pathogenic (1 of 4 stars; one submission).

Submission:

GeneDx
Classification: Pathogenic. Last evaluated: 2024-11-14. Review status: criteria provided, single submitter. Criteria: GeneDx Variant Classification Process June 2021. Collection method: clinical testing. Allele origin: germline. Affected: yes.
Comment: Nonsense variant predicted to result in protein truncation or nonsense mediated decay in a gene for which loss of function is a known mechanism of disease; Not observed at significant frequency in large population cohorts (gnomAD); Has not been previously published as pathogenic or benign to our knowledge